The following is an entry in ClinVar:

NM_000062.3(SERPING1):c.28C>T (p.Leu10Phe)

Gene: SERPING1 (serpin family G member 1; plus strand). Cytogenetic location: 11q12.1.
Variant type: single nucleotide variant.
Coding change: c.28C>T on transcript NM_000062.3 (MANE Select); coding-DNA position 28, C replaced by T.
Protein change: p.Leu10Phe; replaces leucine 10 with phenylalanine.
Molecular consequence: missense variant.
Genome position (GRCh38, 1-based): chr11:57,598,298, C>T. VCF-style: chr11-57598298-C-T. GRCh37 (hg19) VCF-style: chr11-57365771-C-T.
Other names: c.28C>T, p.Leu10Phe (NM_001032295.2); short protein forms L10F.
Identifiers: ClinVar variation 4540337 (VCV004540337.1).
Genomic context (GRCh38, chr11:57,598,298, plus strand): 5'-TGGCTCCGCAGGTCCGCTGACGTCGCCGCCCAGATGGCCTCCAGGCTGACCCTGCTGACC[C>T]TCCTGCTGCTGCTGCTGGCTGGGGTATGTGGTCCCTTGTGGGATGGGGGACGGGGGTGGA-3'
Protein context (NP_000053.2, residues 1-20): MASRLTLLT[Leu10Phe]LLLLLAGDRA

ClinVar aggregate classification (germline): Uncertain significance (1 of 4 stars; one submission).

Submission:

GeneDx
Classification: Uncertain significance. Last evaluated: 2025-06-29. Review status: criteria provided, single submitter. Criteria: GeneDx Variant Classification Process June 2021. Collection method: clinical testing. Allele origin: germline. Affected: yes.
Comment: Has not been previously published as pathogenic or benign to our knowledge; Not observed at significant frequency in large population cohorts (gnomAD); In silico analysis suggests that this missense variant does not alter protein structure/function